The following is an entry in ClinVar:

ClinVar aggregate classification (germline): Uncertain significance (1 of 4 stars; one submission).

Submission:

GeneDx
Classification: Uncertain significance. Last evaluated: 2025-03-17. Review status: criteria provided, single submitter. Criteria: GeneDx Variant Classification Process June 2021. Collection method: clinical testing. Allele origin: germline. Affected: yes.
Comment: Not observed at significant frequency in large population cohorts (gnomAD); In silico analysis supports that this missense variant has a deleterious effect on protein structure/function; Has not been previously published as pathogenic or benign to our knowledge

NM_005647.4(TBL1X):c.86A>C (p.Gln29Pro)

Gene: TBL1X (transducin beta like 1 X-linked; plus strand). Cytogenetic location: Xp22.2.
Variant type: single nucleotide variant.
Coding change: c.86A>C on transcript NM_005647.4 (MANE Select); coding-DNA position 86, A replaced by C.
Protein change: p.Gln29Pro; replaces glutamine 29 with proline.
Molecular consequence: missense variant. On other transcripts: intron variant (2).
Genome position (GRCh38, 1-based): chrX:9,653,672, A>C. VCF-style: chrX-9653672-A-C. GRCh37 (hg19) VCF-style: chrX-9621712-A-C.
Other names: c.86A>C, p.Gln29Pro (NM_001139466.1); c.-50-543A>C (NM_001139468.1, NM_001139467.1); short protein forms Q29P.
Identifiers: ClinVar variation 4086692 (VCV004086692.1).
Genomic context (GRCh38, chrX:9,653,672, plus strand): 5'-CATCGTGCTGCCACCGCCCTGCAGGAAGAGGGGCCATGCAGTCAGTCTTGCACCACTTTC[A>C]ACGTTTGCGAGGGAGAGGTACTGCGGTTCCTCATGTGGCCAGGACCGTGTGGTCACTCTT-3'
Protein context (NP_005638.1, residues 19-39): GAMQSVLHHF[Gln29Pro]RLRGREGGSH